The following is an entry in ClinVar:

NM_000038.6(APC):c.4570A>T (p.Ile1524Leu)

Gene: APC (APC regulator of Wnt signaling pathway; plus strand). Cytogenetic location: 5q22.2.
Variant type: single nucleotide variant.
Coding change: c.4570A>T on transcript NM_000038.6 (MANE Select); coding-DNA position 4570, A replaced by T.
Protein change: p.Ile1524Leu; replaces isoleucine 1524 with leucine.
Molecular consequence: missense variant. On other transcripts: non-coding transcript variant (2).
Genome position (GRCh38, 1-based): chr5:112,840,164, A>T. VCF-style: chr5-112840164-A-T. GRCh37 (hg19) VCF-style: chr5-112175861-A-T.
Other names: c.4570A>T, p.Ile1524Leu (NM_001127510.3, NM_001354895.2, NM_001407450.1); c.4516A>T, p.Ile1506Leu (NM_001127511.3); c.4624A>T, p.Ile1542Leu (NM_001354896.2, NM_001407447.1, NM_001407448.1 and 1 more transcripts); c.4600A>T, p.Ile1534Leu (NM_001354897.2); c.4495A>T, p.Ile1499Leu (NM_001354898.2); c.4486A>T, p.Ile1496Leu (NM_001354899.2); c.4447A>T, p.Ile1483Leu (NM_001354900.2); c.4393A>T, p.Ile1465Leu (NM_001354901.2, NM_001407453.1); and 11 more; short protein forms I1140L, I1241L, I1364L, I1395L, I1398L, I1423L, I1433L, I1441L.
Identifiers: ClinVar variation 4860735 (VCV004860735.1).

ClinVar aggregate classification (germline): Uncertain significance (1 of 4 stars; one submission).

Conditions:
Hereditary cancer-predisposing syndrome. Also called: Neoplastic Syndromes, Hereditary; Tumor predisposition; Hereditary Cancer Syndrome; Hereditary neoplastic syndrome. Identifiers: Orphanet 140162, MedGen C0027672, MeSH D009386, MONDO:0015356.

Submission:

Ambry Genetics
Classification: Uncertain significance for Hereditary cancer-predisposing syndrome. Last evaluated: 2026-03-20. Review status: criteria provided, single submitter. Criteria: Ambry Variant Classification Scheme 2023. Collection method: clinical testing. Allele origin: germline.
Comment: The p.I1524L variant (also known as c.4570A>T), located in coding exon 15 of the APC gene, results from an A to T substitution at nucleotide position 4570. The isoleucine at codon 1524 is replaced by leucine, an amino acid with highly similar properties. This amino acid position is conserved. In addition, in silico predictors for this gene do not accurately predict pathogenicity. Based on the available evidence, the clinical significance of this variant remains unclear.